The following is an entry in ClinVar:

ClinVar aggregate classification (germline): Uncertain significance (1 of 4 stars; one submission).

Conditions:
Hereditary cancer-predisposing syndrome. Also called: Hereditary Cancer Syndrome; Neoplastic Syndromes, Hereditary; Tumor predisposition; Hereditary neoplastic syndrome. Identifiers: Orphanet 140162, MedGen C0027672, MeSH D009386, MONDO:0015356.

Submission:

Ambry Genetics
Classification: Uncertain significance for Hereditary cancer-predisposing syndrome. Last evaluated: 2022-10-27. Review status: criteria provided, single submitter. Criteria: Ambry Variant Classification Scheme 2023. Collection method: clinical testing. Allele origin: germline.
Comment: The p.K16T variant (also known as c.47A>C), located in coding exon 1 of the POLD1 gene, results from an A to C substitution at nucleotide position 47. The lysine at codon 16 is replaced by threonine, an amino acid with similar properties. This amino acid position is conserved. In addition, this alteration is predicted to be tolerated by in silico analysis. Since supporting evidence is limited at this time, the clinical significance of this alteration remains unclear.

NM_002691.4(POLD1):c.47A>C (p.Lys16Thr)

Gene: POLD1 (DNA polymerase delta 1, catalytic subunit; plus strand). Cytogenetic location: 19q13.33.
Variant type: single nucleotide variant.
Coding change: c.47A>C on transcript NM_002691.4 (MANE Select); coding-DNA position 47, A replaced by C.
Protein change: p.Lys16Thr; replaces lysine 16 with threonine.
Molecular consequence: missense variant. On other transcripts: non-coding transcript variant (1).
Genome position (GRCh38, 1-based): chr19:50,398,898, A>C. VCF-style: chr19-50398898-A-C. GRCh37 (hg19) VCF-style: chr19-50902155-A-C.
Other names: c.47A>C, p.Lys16Thr (NM_001256849.1, NM_001308632.1); short protein forms K16T.
Identifiers: ClinVar variation 1743171 (VCV001743171.2), dbSNP rs2513932328, ClinGen allele CA406970038.